The following is an entry in ClinVar:

NM_002296.4(LBR):c.928G>A (p.Gly310Arg)

Gene: LBR (lamin B receptor; minus strand). Cytogenetic location: 1q42.12.
Variant type: single nucleotide variant.
Coding change: c.928G>A on transcript NM_002296.4 (MANE Select); coding-DNA position 928, G replaced by A.
Protein change: p.Gly310Arg; replaces glycine 310 with arginine.
Molecular consequence: missense variant.
Genome position (GRCh38, 1-based): chr1:225,412,610, C>T on the plus strand (G>A on the coding strand, the complement: LBR is on the minus strand). VCF-style: chr1-225412610-C-T. GRCh37 (hg19) VCF-style: chr1-225600312-C-T.
Other names: c.928G>A, p.Gly310Arg (NM_194442.3); c.928G>A (NM_002296.3); short protein forms G310R.
Identifiers: ClinVar variation 1010875 (VCV001010875.9), dbSNP rs773059198, ClinGen allele CA1417286.

ClinVar aggregate classification (germline): Uncertain significance. Review status: criteria provided, multiple submitters, no conflicts (2 of 4 stars). 3 submissions from 3 submitters: Uncertain significance (3). Last evaluated 2025-07-16.

Conditions:
Inborn genetic diseases. Identifiers: MedGen C0950123, MeSH D030342.

Allele frequency attached by ClinVar (database versions not stated): gnomAD exomes 0.00008 and 0.00014; ExAC 0.00009; gnomAD 0.00013 and 0.00014; TOPMed 0.00019.

Submissions (3):

GeneDx
Classification: Uncertain significance. Last evaluated: 2025-07-16. Review status: criteria provided, single submitter. Criteria: GeneDx Variant Classification Process June 2021. Collection method: clinical testing. Allele origin: germline. Affected: yes.
Comment: In silico analysis supports that this missense variant has a deleterious effect on protein structure/function; Has not been previously published as pathogenic or benign to our knowledge

Labcorp Genetics (formerly Invitae), Labcorp
Classification: Uncertain significance. Last evaluated: 2025-05-18. Review status: criteria provided, single submitter. Criteria: Invitae Variant Classification Sherloc (09022015). Collection method: clinical testing. Allele origin: germline.
Comment: This sequence change replaces glycine, which is neutral and non-polar, with arginine, which is basic and polar, at codon 310 of the LBR protein (p.Gly310Arg). This variant is present in population databases (rs773059198, gnomAD 0.04%). This variant has not been reported in the literature in individuals affected with LBR-related conditions. ClinVar contains an entry for this variant (Variation ID: 1010875). Invitae Evidence Modeling of protein sequence and biophysical properties (such as structural, functional, and spatial information, amino acid conservation, physicochemical variation, residue mobility, and thermodynamic stability) indicates that this missense variant is expected to disrupt LBR protein function with a positive predictive value of 80%. In summary, the available evidence is currently insufficient to determine the role of this variant in disease. Therefore, it has been classified as a Variant of Uncertain Significance.

Ambry Genetics
Classification: Uncertain significance for Inborn genetic diseases. Last evaluated: 2024-03-04. Review status: criteria provided, single submitter. Criteria: Ambry Variant Classification Scheme 2023. Collection method: clinical testing. Allele origin: germline.